The following is an entry in ClinVar:

NM_000548.5(TSC2):c.3652C>G (p.Pro1218Ala)

Gene: TSC2 (TSC complex subunit 2; plus strand). Cytogenetic location: 16p13.3.
Variant type: single nucleotide variant.
Coding change: c.3652C>G on transcript NM_000548.5 (MANE Select); coding-DNA position 3652, C replaced by G.
Protein change: p.Pro1218Ala; replaces proline 1218 with alanine.
Molecular consequence: missense variant. On other transcripts: non-coding transcript variant (5).
Genome position (GRCh38, 1-based): chr16:2,081,636, C>G. VCF-style: chr16-2081636-C-G. GRCh37 (hg19) VCF-style: chr16-2131637-C-G.
Other names: c.2308C>G, p.Pro770Ala (NM_001406689.1); c.2179C>G, p.Pro727Ala (NM_001406690.1, NM_001406692.1, NM_001406693.1 and 1 more transcripts); c.2176C>G, p.Pro726Ala (NM_001406691.1, NM_001406695.1, NM_001406696.1 and 1 more transcripts); c.1918C>G, p.Pro640Ala (NM_001406698.1); c.3520C>G, p.Pro1174Ala (NM_001077183.3, NM_001370404.1, NM_001406665.1); c.3652C>G, p.Pro1218Ala (NM_001114382.3); c.3412C>G, p.Pro1138Ala (NM_001318827.2); c.3376C>G, p.Pro1126Ala (NM_001318829.2); and 18 more; short protein forms P1017A, P1018A, P1021A, P1125A, P1126A, P1137A, P1138A, P1155A.
Identifiers: ClinVar variation 5017415 (VCV005017415.1).

ClinVar aggregate classification (germline): Uncertain significance (1 of 4 stars; one submission).

Submission:

GeneDx
Classification: Uncertain significance. Last evaluated: 2026-03-31. Review status: criteria provided, single submitter. Criteria: GeneDx Variant Classification Process June 2021. Collection method: clinical testing. Allele origin: germline.
Comment: Not observed at significant frequency in large population cohorts (gnomAD); In silico analysis supports that this missense variant has a deleterious effect on protein structure/function; Has not been previously published as pathogenic or benign to our knowledge